The following is an entry in ClinVar:

ClinVar aggregate classification (germline): Likely benign (1 of 4 stars; one submission).

Allele frequency attached by ClinVar (database versions not stated): gnomAD exomes below 0.00001; TOPMed below 0.00001; ExAC 0.00001; gnomAD 0.00002; 1000 Genomes Project 30x 0.00021; 1000 Genomes Project 0.00026.
gnomAD v4.1: 3 of 1,211,328 alleles (0.00025%); highest among the groups gnomAD compares: East Asian, 0.003%; no homozygotes.

Submission:

CeGaT Center for Human Genetics Tuebingen
Classification: Likely benign. Last evaluated: 2022-06-01. Review status: criteria provided, single submitter. Criteria: CeGaT Center For Human Genetics Tuebingen Variant Classification Criteria Version 2. Collection method: clinical testing. Allele origin: germline. Affected: yes. Observed: 1 variant allele.
Comment: SHROOM2: BP4, BP7

NM_001649.4(SHROOM2):c.2379G>A (p.Thr793=)

Gene: SHROOM2 (shroom family member 2; plus strand). Cytogenetic location: Xp22.2.
Variant type: single nucleotide variant.
Coding change: c.2379G>A on transcript NM_001649.4 (MANE Select); coding-DNA position 2379, G replaced by A.
Protein change: p.Thr793=; no amino-acid change (threonine 793 retained).
Molecular consequence: synonymous variant.
Genome position (GRCh38, 1-based): chrX:9,896,287, G>A. VCF-style: chrX-9896287-G-A. GRCh37 (hg19) VCF-style: chrX-9864327-G-A.
Identifiers: ClinVar variation 2659955 (VCV002659955.24), dbSNP rs751951591, ClinGen allele CA10345545.